The following is an entry in ClinVar:

NM_000264.5(PTCH1):c.2868G>A (p.Met956Ile)

Gene: PTCH1 (patched 1; minus strand). Cytogenetic location: 9q22.32.
Variant type: single nucleotide variant.
Coding change: c.2868G>A on transcript NM_000264.5 (MANE Select); coding-DNA position 2868, G replaced by A.
Protein change: p.Met956Ile; replaces methionine 956 with isoleucine.
Molecular consequence: missense variant. On other transcripts: non-coding transcript variant (1).
Genome position (GRCh38, 1-based): chr9:95,459,619, C>T on the plus strand (G>A on the coding strand, the complement: PTCH1 is on the minus strand). VCF-style: chr9-95459619-C-T. GRCh37 (hg19) VCF-style: chr9-98221901-C-T.
Other names: c.2670G>A, p.Met890Ile (NM_001083602.3); c.2865G>A, p.Met955Ile (NM_001083603.3); c.2415G>A, p.Met805Ile (NM_001083604.3, NM_001083605.3, NM_001083606.3 and 1 more transcripts); c.2712G>A, p.Met904Ile (NM_001354918.2); short protein forms M956I, M955I, M904I, M805I, M890I.
Identifiers: ClinVar variation 938464 (VCV000938464.13), dbSNP rs761501958, ClinGen allele CA5138311.
Genomic context (GRCh38, chr9:95,459,619, plus strand): 5'-CCTCTGTAAGTTCCCAGACCTCCCGATAAAACGCTACTTACTTCTCAGCCTTGTTTCAGG[C>T]ATGTAGTCGGCTTTGTCGTGGACCCATTCTGGTCGGTGTGGCCGGATGTTGGCCTGGGAG-3'
Protein context (NP_000255.2, residues 946-966): PEWVHDKADY[Met956Ile]PETRLRIPAA

ClinVar aggregate classification (germline): Conflicting classifications of pathogenicity. Review status: criteria provided, conflicting classifications (1 of 4 stars). 2 submissions from 2 submitters: Uncertain significance (1); Benign (1). Last evaluated 2025-08-20.

Conditions:
Gorlin syndrome. Also called: Nevoid Basal Cell Carcinoma Syndrome; Basal cell nevus syndrome. Identifiers: Orphanet 377, MedGen C0004779, MONDO:0007187.
Hereditary cancer-predisposing syndrome. Also called: Tumor predisposition; Hereditary neoplastic syndrome; Neoplastic Syndromes, Hereditary; Hereditary Cancer Syndrome. Identifiers: Orphanet 140162, MedGen C0027672, MeSH D009386, MONDO:0015356.

Allele frequency attached by ClinVar (database versions not stated): gnomAD exomes below 0.00001; ExAC 0.00001.
gnomAD v4.1: 7 of 1,613,954 alleles (0.00043%); highest among the groups gnomAD compares: Middle Eastern, 0.017%; no homozygotes.

Submissions (2):

Ambry Genetics
Classification: Uncertain significance for Hereditary cancer-predisposing syndrome. Last evaluated: 2025-08-20. Review status: criteria provided, single submitter. Criteria: Ambry Variant Classification Scheme 2023. Collection method: clinical testing. Allele origin: germline.
Comment: The p.M956I variant (also known as c.2868G>A), located in coding exon 17 of the PTCH1 gene, results from a G to A substitution at nucleotide position 2868. The methionine at codon 956 is replaced by isoleucine, an amino acid with highly similar properties. This amino acid position is conserved. In addition, the in silico prediction for this alteration is inconclusive. Since supporting evidence is limited at this time, the clinical significance of this alteration remains unclear.

Labcorp Genetics (formerly Invitae), Labcorp
Classification: Benign for Gorlin syndrome. Last evaluated: 2025-05-02. Review status: criteria provided, single submitter. Criteria: Invitae Variant Classification Sherloc (09022015). Collection method: clinical testing. Allele origin: germline.